The following is an entry in ClinVar:

ClinVar aggregate classification (germline): Uncertain significance (1 of 4 stars; one submission).

Submission:

GeneDx
Classification: Uncertain significance. Last evaluated: 2026-04-16. Review status: criteria provided, single submitter. Criteria: GeneDx Variant Classification Process June 2021. Collection method: clinical testing. Allele origin: germline.
Comment: Not observed at significant frequency in large population cohorts (gnomAD); In silico analysis suggests that this missense variant does not alter protein structure/function; Has not been previously published as pathogenic or benign to our knowledge

NM_005862.3(STAG1):c.2485C>G (p.Leu829Val)

Gene: STAG1 (STAG1 cohesin complex component; minus strand). Cytogenetic location: 3q22.3.
Variant type: single nucleotide variant.
Coding change: c.2485C>G on transcript NM_005862.3 (MANE Select); coding-DNA position 2485, C replaced by G.
Protein change: p.Leu829Val; replaces leucine 829 with valine.
Molecular consequence: missense variant.
Genome position (GRCh38, 1-based): chr3:136,369,168, G>C on the plus strand (C>G on the coding strand, the complement: STAG1 is on the minus strand). VCF-style: chr3-136369168-G-C. GRCh37 (hg19) VCF-style: chr3-136088010-G-C.
Other names: short protein forms L829V.
Identifiers: ClinVar variation 5037221 (VCV005037221.1).
Genomic context (GRCh38, chr3:136,369,168, plus strand): 5'-CCATGCTCTGGTTCTCCTCGTCTTGGTCAATAAAAACGTGATCCATCACAAAACTGAGGA[G>C]TTCAGATTGGAGTCCAGTATCTGGATTGAACACCAAAGGCTGAAGGCCCTCTCTGCCACC-3'
Protein context (NP_005853.2, residues 819-839): FNPDTGLQSE[Leu829Val]LSFVMDHVFI